The following is an entry in ClinVar:

ClinVar aggregate classification (germline): Uncertain significance (1 of 4 stars; one submission).

Submission:

Labcorp Genetics (formerly Invitae), Labcorp
Classification: Uncertain significance. Last evaluated: 2024-05-02. Review status: criteria provided, single submitter. Criteria: Invitae Variant Classification Sherloc (09022015). Collection method: clinical testing. Allele origin: germline.
Comment: This sequence change replaces lysine, which is basic and polar, with glutamine, which is neutral and polar, at codon 1527 of the TOP2B protein (p.Lys1527Gln). This variant is not present in population databases (gnomAD no frequency). This variant has not been reported in the literature in individuals affected with TOP2B-related conditions. An algorithm developed to predict the effect of missense changes on protein structure and function (PolyPhen-2) suggests that this variant is likely to be disruptive. In summary, the available evidence is currently insufficient to determine the role of this variant in disease. Therefore, it has been classified as a Variant of Uncertain Significance.

NM_001330700.2(TOP2B):c.4594A>C (p.Lys1532Gln)

Gene: TOP2B (DNA topoisomerase II beta; minus strand). Cytogenetic location: 3p24.2.
Variant type: single nucleotide variant.
Coding change: c.4594A>C on transcript NM_001330700.2 (MANE Select); coding-DNA position 4594, A replaced by C.
Protein change: p.Lys1532Gln; replaces lysine 1532 with glutamine.
Molecular consequence: missense variant.
Genome position (GRCh38, 1-based): chr3:25,601,121, T>G on the plus strand (A>C on the coding strand, the complement: TOP2B is on the minus strand). VCF-style: chr3-25601121-T-G. GRCh37 (hg19) VCF-style: chr3-25642612-T-G.
Other names: c.4579A>C, p.Lys1527Gln (NM_001068.3); short protein forms K1527Q, K1532Q.
Identifiers: ClinVar variation 3688302 (VCV003688302.2).
Genomic context (GRCh38, chr3:25,601,121, plus strand): 5'-CAGCATATGTTTAAAGGGTTATAAGAAGATAATCCTCACCTTTTGGTGTTGTAGTCTTCT[T>G]TGGAATGCCAAATTCTGAATCCGAGTCAGAGTTTACAGCCTCTACTACTTTCTTCTGTTT-3'
Protein context (NP_001317629.1, residues 1522-1542): SDSDSEFGIP[Lys1532Gln]KTTTPKGKGR